The following is an entry in ClinVar:

ClinVar aggregate classification (germline): Likely benign. Review status: criteria provided, multiple submitters, no conflicts (2 of 4 stars). 4 submissions from 4 submitters: Likely benign (3). 1 of the submissions does not count toward it. Last evaluated 2025-01-27.

Conditions:
CACNA1H-related disorder.
Idiopathic generalized epilepsy. Also called: Generalised epilepsy; EIG. Identifiers: MedGen C0270850, MONDO:0005579, OMIM 600669.
Hyperaldosteronism, familial, type IV (HALD4). Also called: FH IV; ALDOSTERONISM, PRIMARY, AND HYPERTENSION. Identifiers: Orphanet 642671, MedGen C4310756, MONDO:0014875, OMIM 617027.

Allele frequency attached by ClinVar (database versions not stated): gnomAD 0.00001 and 0.00003; TOPMed 0.00001; ExAC 0.00004; gnomAD exomes 0.00004.
gnomAD v4.1: 23 of 1,556,964 alleles (0.0015%); highest among the groups gnomAD compares: South Asian, 0.015%; no homozygotes.

Submissions (4):

Women's Health and Genetics/Laboratory Corporation of America, LabCorp
Classification: Likely benign. Last evaluated: 2025-01-27. Review status: criteria provided, single submitter. Criteria: LabCorp Variant Classification Summary - May 2015. Collection method: clinical testing. Allele origin: germline.

Blueprint Genetics
Classification: Likely benign. Last evaluated: 2024-09-09. Review status: criteria provided, single submitter. Criteria: ACMG Guidelines, 2015. Collection method: clinical testing. Allele origin: germline.

Labcorp Genetics (formerly Invitae), Labcorp
Classification: Likely benign for Idiopathic generalized epilepsy; Hyperaldosteronism, familial, type IV. Last evaluated: 2024-09-03. Review status: criteria provided, single submitter. Criteria: Invitae Variant Classification Sherloc (09022015). Collection method: clinical testing. Allele origin: germline.

PreventionGenetics, part of Exact Sciences
Classification: Likely benign for CACNA1H-related condition. Last evaluated: 2019-02-21. Review status: no assertion criteria provided. Collection method: clinical testing. Allele origin: germline. Not counted in ClinVar's aggregate classification.
Comment: This variant is classified as likely benign based on ACMG/AMP sequence variant interpretation guidelines (Richards et al. 2015 PMID: 25741868, with internal and published modifications).

NM_021098.3(CACNA1H):c.5640C>T (p.Ile1880=)

Gene: CACNA1H (calcium voltage-gated channel subunit alpha1 H; plus strand). Cytogenetic location: 16p13.3.
Variant type: single nucleotide variant.
Coding change: c.5640C>T on transcript NM_021098.3 (MANE Select); coding-DNA position 5640, C replaced by T.
Protein change: p.Ile1880=; no amino-acid change (isoleucine 1880 retained).
Molecular consequence: synonymous variant.
Genome position (GRCh38, 1-based): chr16:1,218,404, C>T. VCF-style: chr16-1218404-C-T. GRCh37 (hg19) VCF-style: chr16-1268404-C-T.
Other names: c.5622C>T, p.Ile1874= (NM_001005407.2).
Identifiers: ClinVar variation 754345 (VCV000754345.15), dbSNP rs757358788, ClinGen allele CA7802085.